The following is an entry in ClinVar:

ClinVar aggregate classification (germline): Uncertain significance. Review status: criteria provided, multiple submitters, no conflicts (2 of 4 stars). 2 submissions from 2 submitters: Uncertain significance (2). Last evaluated 2024-12-11.

Conditions:
Inborn genetic diseases. Identifiers: MedGen C0950123, MeSH D030342.
CPS1-related disorder. Also called: CPS1-related condition.

Submissions (2):

PreventionGenetics, part of Exact Sciences
Classification: Uncertain significance for CPS1-related condition. Last evaluated: 2024-12-11. Review status: criteria provided, single submitter. Criteria: ACMG Guidelines, 2015. Collection method: clinical testing. Allele origin: germline.
Comment: The CPS1 c.535A>G variant is predicted to result in the amino acid substitution p.Met179Val. To our knowledge, this variant has not been reported in the literature. This variant is reported in 0.0044% of alleles in individuals of European (Non-Finnish) descent in gnomAD. At this time, the clinical significance of this variant is uncertain due to the absence of conclusive functional and genetic evidence.

Ambry Genetics
Classification: Uncertain significance for Inborn genetic diseases. Last evaluated: 2024-11-11. Review status: criteria provided, single submitter. Criteria: Ambry Variant Classification Scheme 2023. Collection method: clinical testing. Allele origin: germline.

NM_001875.5(CPS1):c.535A>G (p.Met179Val)

Gene: CPS1 (carbamoyl-phosphate synthase 1; plus strand). Cytogenetic location: 2q34.
Variant type: single nucleotide variant.
Coding change: c.535A>G on transcript NM_001875.5 (MANE Select); coding-DNA position 535, A replaced by G.
Protein change: p.Met179Val; replaces methionine 179 with valine.
Molecular consequence: missense variant. On other transcripts: non-coding transcript variant (1).
Genome position (GRCh38, 1-based): chr2:210,582,623, A>G. VCF-style: chr2-210582623-A-G. GRCh37 (hg19) VCF-style: chr2-211447347-A-G.
Other names: c.535A>G, p.Met179Val (NM_001122633.3, NM_001369257.1); c.568A>G, p.Met190Val (NM_001369256.1); short protein forms M179V, M190V.
Identifiers: ClinVar variation 3496570 (VCV003496570.2).